The following is an entry in ClinVar:

NM_000834.5(GRIN2B):c.3012C>G (p.Tyr1004Ter)

Gene: GRIN2B (glutamate ionotropic receptor NMDA type subunit 2B; minus strand). Cytogenetic location: 12p13.1.
Variant type: single nucleotide variant.
Coding change: c.3012C>G on transcript NM_000834.5 (MANE Select); coding-DNA position 3012, C replaced by G.
Protein change: p.Tyr1004Ter; replaces tyrosine 1004 with a stop codon.
Molecular consequence: nonsense.
Genome position (GRCh38, 1-based): chr12:13,564,226, G>C on the plus strand (C>G on the coding strand, the complement: GRIN2B is on the minus strand). VCF-style: chr12-13564226-G-C. GRCh37 (hg19) VCF-style: chr12-13717160-G-C.
Other names: short protein forms Y1004*.
Identifiers: ClinVar variation 280553 (VCV000280553.3), dbSNP rs201439880, ClinGen allele CA10603188.

ClinVar aggregate classification (germline): Conflicting classifications of pathogenicity. Review status: criteria provided, conflicting classifications (1 of 4 stars). 2 submissions from 2 submitters: Pathogenic (1); Uncertain significance (1). Last evaluated 2017-04-04.

Conditions:
Intellectual developmental disorder, autosomal dominant 6, with or without seizures. Also called: GRIN2B-related developmental delay, intellectual disability and autism spectrum disorder; Intellectual disability, autosomal dominant 6. Identifiers: Orphanet 589547, MedGen C3151411, MONDO:0013509, OMIM 613970.

Submissions (2):

Institute of Human Genetics, University of Leipzig Medical Center
Classification: Uncertain significance for Intellectual developmental disorder, autosomal dominant 6, with or without seizures. Last evaluated: 2017-04-04. Review status: criteria provided, single submitter. Criteria: ACMG Guidelines, 2015. Collection method: clinical testing. Allele origin: de novo. Affected: yes.
Comment: This variant was identified as de novo (maternity and paternity confirmed).

GeneDx
Classification: Pathogenic. Last evaluated: 2016-05-02. Review status: criteria provided, single submitter. Criteria: GeneDx Variant Classification (06012015). Collection method: clinical testing. Allele origin: germline. Affected: yes.
Comment: The Y1004X variant in the GRIN2B gene has not been reported previously as a pathogenic variant nor as a benign variant, to our knowledge. This variant is predicted to cause loss of normal protein function through protein truncation due to loss of the last 481 amino acid residues of the GRIN2B protein, which includes the PDZ-binding motif. The Y1004X variant was not observed in approximately 6500 individuals of European and African American ancestry in the NHLBI Exome Sequencing Project, indicating it is not a common benign variant in these populations. We interpret Y1004X as a pathogenic variant

Literature cited by the submitters: PubMed 28377535 (cited by Institute of Human Genetics, University of Leipzig Medical Center).